The following is an entry in ClinVar:

ClinVar aggregate classification (germline): Uncertain significance (1 of 4 stars; one submission).

Allele frequency attached by ClinVar (database versions not stated): gnomAD exomes below 0.00001; gnomAD 0.00001.
gnomAD v4.1: 2 of 1,607,178 alleles (0.00012%); highest among the groups gnomAD compares: East Asian, 0.0045%; no homozygotes.

Submission:

Ambry Genetics
Classification: Uncertain significance. Last evaluated: 2023-11-16. Review status: criteria provided, single submitter. Criteria: Ambry Variant Classification Scheme 2023. Collection method: clinical testing. Allele origin: germline.
Comment: The p.S1961F variant (also known as c.5882C>T), located in coding exon 18 of the POLQ gene, results from a C to T substitution at nucleotide position 5882. The serine at codon 1961 is replaced by phenylalanine, an amino acid with highly dissimilar properties. This amino acid position is conserved. In addition, this alteration is predicted to be tolerated by in silico analysis. Since supporting evidence is limited at this time, the clinical significance of this alteration remains unclear.

NM_199420.4(POLQ):c.5882C>T (p.Ser1961Phe)

Gene: POLQ (DNA polymerase theta; minus strand). Cytogenetic location: 3q13.33.
Variant type: single nucleotide variant.
Coding change: c.5882C>T on transcript NM_199420.4 (MANE Select); coding-DNA position 5882, C replaced by T.
Protein change: p.Ser1961Phe; replaces serine 1961 with phenylalanine.
Molecular consequence: missense variant.
Genome position (GRCh38, 1-based): chr3:121,483,474, G>A on the plus strand (C>T on the coding strand, the complement: POLQ is on the minus strand). VCF-style: chr3-121483474-G-A. GRCh37 (hg19) VCF-style: chr3-121202321-G-A.
Other names: short protein forms S1961F.
Identifiers: ClinVar variation 3230079 (VCV003230079.1), dbSNP rs1316881940, ClinGen allele CA354088584.